The following is an entry in ClinVar:

NM_002432.3(MNDA):c.415C>G (p.Pro139Ala)

Gene: MNDA (myeloid cell nuclear differentiation antigen; plus strand). Cytogenetic location: 1q23.1.
Variant type: single nucleotide variant.
Coding change: c.415C>G on transcript NM_002432.3 (MANE Select); coding-DNA position 415, C replaced by G.
Protein change: p.Pro139Ala; replaces proline 139 with alanine.
Molecular consequence: missense variant.
Genome position (GRCh38, 1-based): chr1:158,843,967, C>G. VCF-style: chr1-158843967-C-G. GRCh37 (hg19) VCF-style: chr1-158813757-C-G.
Other names: short protein forms P139A.
Identifiers: ClinVar variation 1738325 (VCV001738325.2), dbSNP rs763618518, ClinGen allele CA343039128.
Genomic context (GRCh38, chr1:158,843,967, plus strand): 5'-TTCTTTTGATACTAAACTCCATTAACAGGAAAATTAAACTACTTTCAGAAAAGAAAAACT[C>G]CAAACAAAGAAAAGACTGAAGCCAAAAGGAATAAGGTGTCCCAAGAGCAGAGTAAGCCCC-3'
Protein context (NP_002423.1, residues 129-149): RIPVAQKRKT[Pro139Ala]NKEKTEAKRN

ClinVar aggregate classification (germline): Uncertain significance (1 of 4 stars; one submission).

Submission:

Ambry Genetics
Classification: Uncertain significance. Last evaluated: 2022-10-12. Review status: criteria provided, single submitter. Criteria: Ambry Variant Classification Scheme 2023. Collection method: clinical testing. Allele origin: germline.
Comment: The p.P139A variant (also known as c.415C>G), located in coding exon 3 of the MNDA gene, results from a C to G substitution at nucleotide position 415. The proline at codon 139 is replaced by alanine, an amino acid with highly similar properties. This amino acid position is conserved. In addition, this alteration is predicted to be tolerated by in silico analysis. Since supporting evidence is limited at this time, the clinical significance of this alteration remains unclear.